The following is an entry in ClinVar:

NM_002457.5(MUC2):c.4437T>A (p.Pro1479=)

Gene: MUC2 (mucin 2, oligomeric mucus/gel-forming; plus strand). Cytogenetic location: 11p15.5.
Variant type: single nucleotide variant.
Coding change: c.4437T>A on transcript NM_002457.5 (MANE Select); coding-DNA position 4437, T replaced by A.
Protein change: p.Pro1479=; no amino-acid change (proline 1479 retained).
Molecular consequence: synonymous variant.
Genome position (GRCh38, 1-based): chr11:1,094,680, T>A. VCF-style: chr11-1094680-T-A. GRCh37 (hg19) VCF-style: chr11-1092618-T-A.
Identifiers: ClinVar variation 3234195 (VCV003234195.20), dbSNP rs201608750, ClinGen allele CA216996808.

ClinVar aggregate classification (germline): Likely benign (1 of 4 stars; one submission).

Submission:

CeGaT Center for Human Genetics Tuebingen
Classification: Likely benign. Last evaluated: 2024-04-01. Review status: criteria provided, single submitter. Criteria: CeGaT Center For Human Genetics Tuebingen Variant Classification Criteria Version 2. Collection method: clinical testing. Allele origin: germline. Affected: yes. Observed: 1 variant allele.
Comment: MUC2: BP4, BP7